The following is an entry in ClinVar:

ClinVar aggregate classification (germline): Likely pathogenic (1 of 4 stars; one submission).

Conditions:
PMM2-congenital disorder of glycosylation. Also called: CDG Ia; JAEKEN SYNDROME; PHOSPHOMANNOMUTASE 2 DEFICIENCY; CARBOHYDRATE-DEFICIENT GLYCOPROTEIN SYNDROME, TYPE Ia; Congenital disorder of glycosylation, type Ia; PMM2-CDG. Identifiers: Orphanet 79318, MedGen C0349653, MONDO:0008907, OMIM 212065.

Submission:

Labcorp Genetics (formerly Invitae), Labcorp
Classification: Likely pathogenic for PMM2-congenital disorder of glycosylation. Last evaluated: 2024-04-29. Review status: criteria provided, single submitter. Criteria: Invitae Variant Classification Sherloc (09022015). Collection method: clinical testing. Allele origin: germline.
Comment: This sequence change affects an acceptor splice site in intron 5 of the PMM2 gene. It is expected to disrupt RNA splicing. Variants that disrupt the donor or acceptor splice site typically lead to a loss of protein function (PMID: 16199547), and loss-of-function variants in PMM2 are known to be pathogenic (PMID: 19862844). This variant is not present in population databases (gnomAD no frequency). This variant has not been reported in the literature in individuals affected with PMM2-related conditions. ClinVar contains an entry for this variant (Variation ID: 1066423). Algorithms developed to predict the effect of sequence changes on RNA splicing suggest that this variant may disrupt the consensus splice site. In summary, the currently available evidence indicates that the variant is pathogenic, but additional data are needed to prove that conclusively. Therefore, this variant has been classified as Likely Pathogenic.

Literature cited by the submitters: PubMed 16199547; PubMed 19862844.

NM_000303.3(PMM2):c.448-2A>G

Gene: PMM2 (phosphomannomutase 2; plus strand). Cytogenetic location: 16p13.2.
Variant type: single nucleotide variant.
Coding change: c.448-2A>G on transcript NM_000303.3 (MANE Select); the canonical splice acceptor site of the intron before coding-DNA position 448, A replaced by G.
Molecular consequence: splice acceptor variant.
Genome position (GRCh38, 1-based): chr16:8,811,636, A>G. VCF-style: chr16-8811636-A-G. GRCh37 (hg19) VCF-style: chr16-8905493-A-G.
Identifiers: ClinVar variation 1066423 (VCV001066423.9), dbSNP rs2141023331, ClinGen allele CA394696796.